The following is an entry in ClinVar:

ClinVar aggregate classification (germline): Likely pathogenic (1 of 4 stars; one submission).

Conditions:
Holoprosencephaly 9 (HPE9). Also called: HOLOPROSENCEPHALY WITH MICROPHTHALMIA AND FIRST BRANCHIAL ARCH ANOMALIES; PITUITARY ANOMALIES WITH HOLOPROSENCEPHALY-LIKE FEATURES. Identifiers: Orphanet 2162, MedGen C1835819, MONDO:0012563, OMIM 610829.

Submission:

3billion
Classification: Likely pathogenic for Holoprosencephaly 9. Last evaluated: 2022-09-01. Review status: criteria provided, single submitter. Criteria: ACMG Guidelines, 2015. Collection method: clinical testing. Allele origin: germline. Affected: yes. Observed: 1 homozygote.
Comment: The variant is not observed in the gnomAD v2.1.1 dataset. Frameshift variant is predicted to result in a loss or disruption of normal protein function through nonsense-mediated decay (NMD) or protein truncation. Multiple pathogenic variants are reported downstream of the variant. Therefore, this variant is classified as Likely pathogenic according to the recommendation of ACMG/AMP guideline.

NM_001374353.1(GLI2):c.1108del (p.Ala370fs)

Gene: GLI2 (GLI family zinc finger 2; plus strand). Cytogenetic location: 2q14.2.
Variant type: Deletion.
Coding change: c.1108del on transcript NM_001374353.1 (MANE Select); coding-DNA position 1108, one base deleted (G; older notation c.1108delG).
Protein change: p.Ala370fs; shifts the reading frame from alanine 370.
Molecular consequence: frameshift variant.
Genome position (GRCh38, 1-based): chr2:120,971,989, G deleted. VCF-style (leftmost placement, unchanged base first): chr2-120971988-CG-C. GRCh37 (hg19) VCF-style: chr2-121729564-CG-C.
Other names: c.1108del, p.Ala370fs (NM_001371271.1, NM_005270.5); c.733del, p.Ala245fs (NM_001374354.1); short protein forms A245fs, A370fs.
Identifiers: ClinVar variation 1705375 (VCV001705375.1), dbSNP rs2467699176, ClinGen allele CA2580063767.